The following is an entry in ClinVar:

NM_001347721.2(DYRK1A):c.1987A>G (p.Thr663Ala)

Gene: DYRK1A (dual specificity tyrosine phosphorylation regulated kinase 1A; plus strand). Cytogenetic location: 21q22.13.
Variant type: single nucleotide variant.
Coding change: c.1987A>G on transcript NM_001347721.2 (MANE Select); coding-DNA position 1987, A replaced by G.
Protein change: p.Thr663Ala; replaces threonine 663 with alanine.
Molecular consequence: missense variant. On other transcripts: 3 prime UTR variant (2).
Genome position (GRCh38, 1-based): chr21:37,512,253, A>G. VCF-style: chr21-37512253-A-G. GRCh37 (hg19) VCF-style: chr21-38884556-A-G.
Other names: c.1987A>G, p.Thr663Ala (NM_001347722.2, NM_130436.2); c.1900A>G, p.Thr634Ala (NM_001347723.2); c.2014A>G, p.Thr672Ala (NM_001396.5); c.*390A>G (NM_101395.2); c.*299A>G (NM_130438.2); short protein forms T663A, T672A, T634A.
Identifiers: ClinVar variation 2973534 (VCV002973534.3), dbSNP rs748740712, ClinGen allele CA10024145.

ClinVar aggregate classification (germline): Uncertain significance (1 of 4 stars; one submission).

Conditions:
DYRK1A-related intellectual disability syndrome (MRD7). Also called: Intellectual developmental disorder, autosomal dominant 7; DYRK1A Syndrome. Identifiers: Orphanet 464306, MedGen C5568143, MONDO:0013578, OMIM 614104.

Allele frequency attached by ClinVar (database versions not stated): gnomAD exomes below 0.00001; ExAC 0.00001.
gnomAD v4.1: 4 of 1,614,108 alleles (0.00025%); highest among the groups gnomAD compares: Middle Eastern, 0.016%; no homozygotes.

Submission:

Labcorp Genetics (formerly Invitae), Labcorp
Classification: Uncertain significance for DYRK1A-related intellectual disability syndrome. Last evaluated: 2023-03-24. Review status: criteria provided, single submitter. Criteria: Invitae Variant Classification Sherloc (09022015). Collection method: clinical testing. Allele origin: germline.
Comment: This sequence change replaces threonine, which is neutral and polar, with alanine, which is neutral and non-polar, at codon 672 of the DYRK1A protein (p.Thr672Ala). This variant is present in population databases (rs748740712, gnomAD 0.006%). This variant has not been reported in the literature in individuals affected with DYRK1A-related conditions. An algorithm developed to predict the effect of missense changes on protein structure and function (PolyPhen-2) suggests that this variant is likely to be disruptive. In summary, the available evidence is currently insufficient to determine the role of this variant in disease. Therefore, it has been classified as a Variant of Uncertain Significance.